The following is an entry in ClinVar:

NM_130468.4(CHST14):c.750G>A (p.Gly250=)

Gene: CHST14 (carbohydrate sulfotransferase 14; plus strand). Cytogenetic location: 15q15.1.
Variant type: single nucleotide variant.
Coding change: c.750G>A on transcript NM_130468.4 (MANE Select); coding-DNA position 750, G replaced by A.
Protein change: p.Gly250=; no amino-acid change (glycine 250 retained).
Molecular consequence: synonymous variant.
Genome position (GRCh38, 1-based): chr15:40,471,963, G>A. VCF-style: chr15-40471963-G-A. GRCh37 (hg19) VCF-style: chr15-40764162-G-A.
Identifiers: ClinVar variation 5039761 (VCV005039761.1).
Genomic context (GRCh38, chr15:40,471,963, plus strand): 5'-CCGAGAGTACCAGCAACGCTATGGGGCTGAGATAGTGAGGCGGTACAGGGCTGGAGCGGG[G>A]CCCAGCCCTGCAGGCGACGATGTCACATTCCCCGAGTTCCTGAGATACCTGGTGGATGAG-3'
Protein context (NP_569735.1, residues 240-260): EIVRRYRAGA[Gly250=]PSPAGDDVTF

ClinVar aggregate classification (germline): Likely benign (1 of 4 stars; one submission).

Submission:

CeGaT Center for Human Genetics Tuebingen
Classification: Likely benign. Last evaluated: 2026-07-01. Review status: criteria provided, single submitter. Criteria: CeGaT Center For Human Genetics Tuebingen Variant Classification Criteria Version 2. Collection method: clinical testing. Allele origin: germline. Affected: yes. Observed: 1 variant allele.
Comment: CHST14: BP4, BP7